The following is an entry in ClinVar:

ClinVar aggregate classification (germline): Uncertain significance (1 of 4 stars; one submission).

Allele frequency attached by ClinVar (database versions not stated): gnomAD exomes below 0.00001.

Submission:

GeneDx
Classification: Uncertain significance. Last evaluated: 2022-04-07. Review status: criteria provided, single submitter. Criteria: GeneDx Variant Classification Process June 2021. Collection method: clinical testing. Allele origin: germline. Affected: yes.
Comment: Not observed at significant frequency in large population cohorts (gnomAD); In silico analysis supports that this missense variant has a deleterious effect on protein structure/function; Has not been previously published as pathogenic or benign to our knowledge; This variant is associated with the following publications: (PMID: 16053902)

NM_014795.4(ZEB2):c.652C>T (p.Arg218Trp)

Gene: ZEB2 (zinc finger E-box binding homeobox 2; minus strand). Cytogenetic location: 2q22.3.
Variant type: single nucleotide variant.
Coding change: c.652C>T on transcript NM_014795.4 (MANE Select); coding-DNA position 652, C replaced by T.
Protein change: p.Arg218Trp; replaces arginine 218 with tryptophan.
Molecular consequence: missense variant.
Genome position (GRCh38, 1-based): chr2:144,404,071, G>A on the plus strand (C>T on the coding strand, the complement: ZEB2 is on the minus strand). VCF-style: chr2-144404071-G-A. GRCh37 (hg19) VCF-style: chr2-145161638-G-A.
Other names: c.580C>T, p.Arg194Trp (NM_001171653.2); short protein forms R194W, R218W.
Identifiers: ClinVar variation 1708734 (VCV001708734.2), dbSNP rs2549109391, ClinGen allele CA348714900.